The following continues an entry in ClinVar:

NM_000059.4(BRCA2):c.5635G>A (p.Glu1879Lys)

Gene: BRCA2. ClinVar aggregate classification (germline): Conflicting classifications of pathogenicity. Uncertain significance (1); Benign (5); Likely benign (11).

Submissions 17 to 25 of 25:

Clinical Genetics DNA and cytogenetics Diagnostics Lab, Erasmus MC, Erasmus Medical Center
Classification: Likely benign for Breast-ovarian cancer, familial, susceptibility to, 2. Last evaluated: 2015-09-21. Review status: criteria provided, single submitter. Criteria: ACGS Guidelines, 2013. Collection method: clinical testing. Allele origin: germline. Affected: yes. Study: VKGL Data-share Consensus.

Department of Medical and Surgical Sciences, University of Bologna
Classification: Benign for Breast-ovarian cancer, familial, susceptibility to, 2. Last evaluated: 2023-09-01. Review status: no assertion criteria provided. Collection method: clinical testing. Allele origin: germline. Affected: yes. Not counted in ClinVar's aggregate classification.
Comment: BS1(Strong)+BP1(Strong)+BP5(Moderate) according to ACMG/AMP classification guidelines specified for BRCA1 & BRCA2 (Classification Criteria V1.0.0 2023-09-08) (PMID: 38160042)

BRCAlab, Lund University
Classification: Likely benign for Breast-ovarian cancer, familial, susceptibility to, 2. Last evaluated: 2020-03-02. Review status: no assertion criteria provided. Collection method: clinical testing. Allele origin: germline. Affected: yes. Not counted in ClinVar's aggregate classification.

PreventionGenetics, part of Exact Sciences
Classification: Likely benign for BRCA2-related condition. Last evaluated: 2019-12-04. Review status: no assertion criteria provided. Collection method: clinical testing. Allele origin: germline. Not counted in ClinVar's aggregate classification.
Comment: This variant is classified as likely benign based on ACMG/AMP sequence variant interpretation guidelines (Richards et al. 2015 PMID: 25741868, with internal and published modifications).

Sharing Clinical Reports Project (SCRP)
Classification: Benign for Breast-ovarian cancer, familial 2. Last evaluated: 2009-08-24. Review status: no assertion criteria provided. Collection method: clinical testing. Allele origin: germline. Not counted in ClinVar's aggregate classification.

Breast Cancer Information Core (BIC) (BRCA2)
Classification: Uncertain significance for Breast-ovarian cancer, familial 2. Last evaluated: 2002-05-29. Review status: no assertion criteria provided. Collection method: clinical testing. Allele origin: germline. Affected: yes. Observed: 10 variant alleles. Not counted in ClinVar's aggregate classification.

Department of Pathology and Laboratory Medicine, Sinai Health System
Classification: Likely benign for Breast-ovarian cancer, familial, susceptibility to, 2. Review status: no assertion criteria provided. Collection method: clinical testing. Allele origin: unknown. Affected: yes. Study: The Canadian Open Genetics Repository (COGR). Not counted in ClinVar's aggregate classification.
Comment: The BRCA2 p.Glu1879Lys variant was identified in 3 of 4882 proband chromosomes (frequency: 0.0006) from Malaysian and American individuals or families with breast or endometrial cancer (Thirthagiri 2008, Pennington 2012, Borg 2010). The variant was also identified in dbSNP (ID: rs55996097) â€šÃ„ÃºWith Pathogenic, other alleleâ€šÃ„Ã¹, ClinVar (conflicting interpretations of pathogenicity: classified as benign by Invitae and SCRP; classified as likely benign by Ambry Genetics, GeneDx, Illumina Clinical Services Laboratory, and two other clinical laboratories; and classified as uncertain significance by BIC, Integrated Genetics/Laboratory Corporation of America, CHEO and Quest Diagnostics Nichols Institute San Juan Capistrano), GeneInsight-COGR (1x), LOVD 3.0 (1x), UMD-LSDB (classified as 3-UV, co-occurring with the pathogenic variant BRCA2 c.8643dup, p.Ile2822Tyrfs*23) and BIC Database (10x, clinical importance unknown, classification pending). The variant was not identified in Cosmic, MutDB, ARUP Laboratories, or the Zhejiang University Database. The variant was identified in control databases in 35 of 274724 chromosomes (1 homozygous) at a frequency of 0.0001, increasing the likelihood this could be a low frequency benign variant (Genome Aggregation Database Feb 27, 2017). The variant was observed in the following populations: European Non-Finnish in 28 of 125750 chromosomes (freq: 0.0002), and South Asian in 7 (1 homozygous) of 29948 chromosomes (freq: 0.0002), while it was not observed in the African, Other, Latino, Ashkenazi Jewish, East Asian, or Finnish populations. The p.Glu1879 residue is not conserved in mammals and computational analyses (PolyPhen-2, SIFT, AlignGVGD, BLOSUM, MutationTaster) do not suggest a high likelihood of impact to the protein; however, this information is not predictive enough to rule out pathogenicity. The variant occurs outside of the splicing consensus sequence and in silico or computational prediction software programs (SpliceSiteFinder, MaxEntScan, NNSPLICE, GeneSplicer) do not predict a difference in splicing. In summary, based on the above information, the clinical significance of this variant cannot be determined with certainty at this time although we would lean towards a more benign role for this variant. This variant is classified as likely benign.

Diagnostic Laboratory, Department of Genetics, University Medical Center Groningen
Classification: Likely benign for Breast-ovarian cancer, familial, susceptibility to, 2. Review status: no assertion criteria provided. Collection method: clinical testing. Allele origin: germline. Affected: yes. Study: VKGL Data-share Consensus. Not counted in ClinVar's aggregate classification.

Joint Genome Diagnostic Labs from Nijmegen and Maastricht, Radboudumc and MUMC+
Classification: Likely benign. Review status: no assertion criteria provided. Collection method: clinical testing. Allele origin: germline. Affected: yes. Study: VKGL Data-share Consensus. Not counted in ClinVar's aggregate classification.

Literature cited by the submitters: PubMed 28222693 (cited by Quest Diagnostics Nichols Institute San Juan Capistrano and Women's Health and Genetics/Laboratory Corporation of America, LabCorp); PubMed 21520273 (cited by Quest Diagnostics Nichols Institute San Juan Capistrano and Women's Health and Genetics/Laboratory Corporation of America, LabCorp); PubMed 36315513 (cited by Quest Diagnostics Nichols Institute San Juan Capistrano); PubMed 33471991 (cited by Quest Diagnostics Nichols Institute San Juan Capistrano); PubMed 31911673 (cited by Quest Diagnostics Nichols Institute San Juan Capistrano); PubMed 16847550 (cited by Quest Diagnostics Nichols Institute San Juan Capistrano and Women's Health and Genetics/Laboratory Corporation of America, LabCorp); PubMed 28263838 (cited by Quest Diagnostics Nichols Institute San Juan Capistrano); PubMed 30055349 (cited by Quest Diagnostics Nichols Institute San Juan Capistrano); PubMed 20104584 (cited by 3 submitters); PubMed 18092194 (cited by Quest Diagnostics Nichols Institute San Juan Capistrano and Women's Health and Genetics/Laboratory Corporation of America, LabCorp); PubMed 23555315 (cited by Quest Diagnostics Nichols Institute San Juan Capistrano and Women's Health and Genetics/Laboratory Corporation of America, LabCorp); PubMed 16760289 (cited by Quest Diagnostics Nichols Institute San Juan Capistrano and Women's Health and Genetics/Laboratory Corporation of America, LabCorp); PubMed 22811390 (cited by 3 submitters); PubMed 18627636 (cited by 3 submitters); PubMed 27062684 (cited by Quest Diagnostics Nichols Institute San Juan Capistrano and Women's Health and Genetics/Laboratory Corporation of America, LabCorp); PubMed 30212499 (cited by Quest Diagnostics Nichols Institute San Juan Capistrano); PubMed 30254663 (cited by Quest Diagnostics Nichols Institute San Juan Capistrano and Women's Health and Genetics/Laboratory Corporation of America, LabCorp); PubMed 24504028 (cited by Women's Health and Genetics/Laboratory Corporation of America, LabCorp).